The following is an entry in ClinVar:

ClinVar aggregate classification (germline): Uncertain significance. Review status: criteria provided, multiple submitters, no conflicts (2 of 4 stars). 5 submissions from 5 submitters: Uncertain significance (4). 1 of the submissions does not count toward it. Last evaluated 2026-07-01.

Conditions:
Citrullinemia. Identifiers: Orphanet 187, MedGen C0175683, MONDO:0015991.
Citrin deficiency. Identifiers: Orphanet 247582, MedGen C1997910, MONDO:0016602.
SLC25A13-related disorder. Also called: SLC25A13-related condition.

Allele frequency attached by ClinVar (database versions not stated): gnomAD 0.00005; gnomAD exomes 0.00006 and 0.00024; TOPMed 0.00009; ESP Exome Variant Server 0.00015; ExAC 0.00005.
gnomAD v4.1: 350 of 1,613,882 alleles (0.022%); highest among the groups gnomAD compares: Non-Finnish European, 0.029%; no homozygotes.

Submissions (5):

CeGaT Center for Human Genetics Tuebingen
Classification: Uncertain significance. Last evaluated: 2026-07-01. Review status: criteria provided, single submitter. Criteria: CeGaT Center For Human Genetics Tuebingen Variant Classification Criteria Version 2. Collection method: clinical testing. Allele origin: germline. Affected: yes. Observed: 1 variant allele.
Comment: SLC25A13: PM2

PreventionGenetics, part of Exact Sciences
Classification: Uncertain significance for SLC25A13-related condition. Last evaluated: 2026-01-05. Review status: criteria provided, single submitter. Criteria: ACMG Guidelines, 2015. Collection method: clinical testing. Allele origin: germline.
Comment: The SLC25A13 c.454A>G variant is predicted to result in the amino acid substitution p.Thr152Ala. To our knowledge, this variant has not been reported in the literature. This variant is reported in 0.011% of alleles in individuals of European (Non-Finnish) descent in gnomAD. At this time, the clinical significance of this variant is uncertain due to the absence of conclusive functional and genetic evidence.

Labcorp Genetics (formerly Invitae), Labcorp
Classification: Uncertain significance for Citrin deficiency. Last evaluated: 2021-08-30. Review status: criteria provided, single submitter. Criteria: Invitae Variant Classification Sherloc (09022015). Collection method: clinical testing. Allele origin: germline.
Comment: This sequence change replaces threonine with alanine at codon 152 of the SLC25A13 protein (p.Thr152Ala). The threonine residue is moderately conserved and there is a small physicochemical difference between threonine and alanine. This variant is present in population databases (rs146131228, ExAC 0.009%). This variant has not been reported in the literature in individuals affected with SLC25A13-related conditions. Algorithms developed to predict the effect of missense changes on protein structure and function are either unavailable or do not agree on the potential impact of this missense change (SIFT: "Tolerated"; PolyPhen-2: "Possibly Damaging"; Align-GVGD: "Class C0"). In summary, the available evidence is currently insufficient to determine the role of this variant in disease. Therefore, it has been classified as a Variant of Uncertain Significance.

Eurofins Ntd Llc (ga)
Classification: Uncertain significance. Last evaluated: 2018-04-26. Review status: criteria provided, single submitter. Criteria: EGL ClinVar v180209 classification definitions. Collection method: clinical testing. Allele origin: germline. Observed: 1 variant allele, 1 heterozygote.

Natera, Inc.
Classification: Uncertain significance for Citrullinemia. Last evaluated: 2019-11-11. Review status: no assertion criteria provided. Collection method: clinical testing. Allele origin: germline. Not counted in ClinVar's aggregate classification.

NM_014251.3(SLC25A13):c.454A>G (p.Thr152Ala)

Gene: SLC25A13 (solute carrier family 25 member 13; minus strand). Cytogenetic location: 7q21.3.
Variant type: single nucleotide variant.
Coding change: c.454A>G on transcript NM_014251.3 (MANE Select); coding-DNA position 454, A replaced by G.
Protein change: p.Thr152Ala; replaces threonine 152 with alanine.
Molecular consequence: missense variant. On other transcripts: non-coding transcript variant (1).
Genome position (GRCh38, 1-based): chr7:96,208,852, T>C on the plus strand (A>G on the coding strand, the complement: SLC25A13 is on the minus strand). VCF-style: chr7-96208852-T-C. GRCh37 (hg19) VCF-style: chr7-95838164-T-C.
Other names: c.454A>G, p.Thr152Ala (NM_001160210.2); short protein forms T152A.
Identifiers: ClinVar variation 596975 (VCV000596975.10), dbSNP rs146131228, ClinGen allele CA4353269.